The following is an entry in ClinVar:

NM_000391.4(TPP1):c.605C>A (p.Pro202His)

Gene: TPP1 (tripeptidyl peptidase 1; minus strand). Cytogenetic location: 11p15.4.
Variant type: single nucleotide variant.
Coding change: c.605C>A on transcript NM_000391.4 (MANE Select); coding-DNA position 605, C replaced by A.
Protein change: p.Pro202His; replaces proline 202 with histidine.
Molecular consequence: missense variant.
Genome position (GRCh38, 1-based): chr11:6,617,057, G>T on the plus strand (C>A on the coding strand, the complement: TPP1 is on the minus strand). VCF-style: chr11-6617057-G-T. GRCh37 (hg19) VCF-style: chr11-6638288-G-T.
Other names: short protein forms P202H.
Identifiers: ClinVar variation 2026862 (VCV002026862.4), dbSNP rs121908205, ClinGen allele CA379475472.

ClinVar aggregate classification (germline): Likely pathogenic (1 of 4 stars; one submission).

Submission:

Labcorp Genetics (formerly Invitae), Labcorp
Classification: Likely pathogenic. Last evaluated: 2022-11-28. Review status: criteria provided, single submitter. Criteria: Invitae Variant Classification Sherloc (09022015). Collection method: clinical testing. Allele origin: germline.
Comment: In summary, the currently available evidence indicates that the variant is pathogenic, but additional data are needed to prove that conclusively. Therefore, this variant has been classified as Likely Pathogenic. This variant disrupts the p.Pro202 amino acid residue in TPP1. Other variant(s) that disrupt this residue have been determined to be pathogenic (PMID: 11589012, 20340139; Invitae). This suggests that this residue is clinically significant, and that variants that disrupt this residue are likely to be disease-causing. Advanced modeling of protein sequence and biophysical properties (such as structural, functional, and spatial information, amino acid conservation, physicochemical variation, residue mobility, and thermodynamic stability) performed at Invitae indicates that this missense variant is expected to disrupt TPP1 protein function. This variant has not been reported in the literature in individuals affected with TPP1-related conditions. This variant is not present in population databases (gnomAD no frequency). This sequence change replaces proline, which is neutral and non-polar, with histidine, which is basic and polar, at codon 202 of the TPP1 protein (p.Pro202His).

Literature cited by the submitters: PubMed 11589012; PubMed 20340139.